The following continues an entry in ClinVar:

NM_000551.4(VHL):c.499C>T (p.Arg167Trp)

ClinVar aggregate classification (germline): Pathogenic/Likely pathogenic. Pathogenic (16); Likely pathogenic (2). ClinVar aggregate classification (somatic clinical impact): Tier I - Strong.

Submissions 8 to 23 of 23:

Department of Pathology and Laboratory Medicine, Sinai Health System
Classification: Likely pathogenic for Nonpapillary renal cell carcinoma; Pheochromocytoma; Von Hippel-Lindau syndrome; Chuvash polycythemia. Last evaluated: 2024-05-13. Review status: criteria provided, single submitter. Criteria: ACMG Guidelines, 2015. Collection method: clinical testing. Allele origin: germline. Affected: yes.

Blueprint Genetics
Classification: Pathogenic for VHL-related disorders. Last evaluated: 2024-05-02. Review status: criteria provided, single submitter. Criteria: ACMG Guidelines, 2015. Collection method: clinical testing. Allele origin: germline. Affected: yes. Observed: 2 variant alleles.

Genomic Medicine Center of Excellence, King Faisal Specialist Hospital and Research Centre
Classification: Likely pathogenic for Chuvash polycythemia. Last evaluated: 2024-04-04. Review status: criteria provided, single submitter. Criteria: ACMG Guidelines, 2015. Collection method: clinical testing. Allele origin: germline.

Laboratory of Molecular and Cytogenetics, Department of Anatomy, All India Institute of Medical Sciences (AIIMS)
Classification: Pathogenic for Von Hippel-Lindau syndrome. Last evaluated: 2023-05-21. Review status: criteria provided, single submitter. Criteria: ACMG Guidelines, 2015. Collection method: clinical testing. Allele origin: germline. Affected: yes. Observed: 1 variant allele.

GeneDx
Classification: Pathogenic. Last evaluated: 2022-05-25. Review status: criteria provided, single submitter. Criteria: GeneDx Variant Classification Process June 2021. Collection method: clinical testing. Allele origin: germline. Affected: yes.
Comment: Published functional studies demonstrate a damaging effect: Variant does not bind to elongin B or elongin C, resulting in an unstable protein that is rapidly degraded by the proteasome (Schoenfeld 2000); In silico analysis, which includes protein predictors and evolutionary conservation, supports a deleterious effect; Not observed at a significant frequency in large population cohorts (gnomAD); Also known as p.(R208W) and p.(R238W); This variant is associated with the following publications: (PMID: 28873162, 14973063, 10205047, 9156047, 21519372, 23512077, 18836774, 12000816, 25119015, 19602254, 10900011, 7987306, 25563310, 27539324, 27527340, 27682873, 28944243, 28094316, 9829912, 22799452, 9829911, 8956040, 29124493, 25390905, 16042317, 29616089, 30522901, 30042107, 20233476, 29625052, 33745191, 32561571, 31589614, 30787465, 34377882, 34439168, 33828526, 34036514)

Institute for Clinical Genetics, University Hospital TU Dresden, University Hospital TU Dresden
Classification: Pathogenic. Last evaluated: 2021-11-03. Review status: criteria provided, single submitter. Criteria: ACMG Guidelines, 2015. Collection method: clinical testing. Allele origin: germline.

Fulgent Genetics
Classification: Pathogenic for Nonpapillary renal cell carcinoma; Pheochromocytoma; Von Hippel-Lindau syndrome; Chuvash polycythemia. Last evaluated: 2021-10-01. Review status: criteria provided, single submitter. Criteria: ACMG Guidelines, 2015. Collection method: clinical testing. Allele origin: unknown.

Baylor Genetics
Classification: Pathogenic for Von Hippel-Lindau syndrome. Last evaluated: 2021-08-24. Review status: criteria provided, single submitter. Criteria: ACMG Guidelines, 2015. Collection method: clinical testing. Allele origin: unknown. Affected: yes. Study: CSER-TexasKidsCanSeq.
Comment: This variant was determined to be pathogenic according to ACMG Guidelines, 2015 [PMID:25741868].

ARUP Laboratories, Molecular Genetics and Genomics, ARUP Laboratories
Classification: Pathogenic. Last evaluated: 2020-08-03. Review status: criteria provided, single submitter. Criteria: ARUP Molecular Germline Variant Investigation Process. Collection method: clinical testing. Allele origin: germline.
Comment: The VHL c.499C>T; p.Arg167Trp variant (rs5030820), also reported as p.Arg238Trp, is a common pathogenic variant in individuals and families affected with Von Hippel-Lindau syndrome (Crossey 1994, Fishbein 2013, Peng 2017, Wang 2018, Zhang 2015). This variant is reported in ClinVar (Variation ID: 2218), and is only observed on two alleles in the Genome Aggregation Database, indicating it is not a common polymorphism. The arginine at codon 167 is highly conserved, and computational analyses (SIFT, PolyPhen-2) predict that this variant is deleterious. Functional analyses of the variant protein show loss of elongin binding leading to VHL protein degradation (Leonardi 2011, Ohh 1999, Peng 2017, Schoenfeld 2000). Additionally, other amino acid substitutions at this codon (Gln, Gly, Leu, Pro) have been reported in individuals with Von Hippel-Lindau syndrome and are considered pathogenic (Crossey 1994, Zhang 2015). Based on available information, this variant is considered to be pathogenic. References: Crossey PA et al. Identification of intragenic mutations in the von Hippel-Lindau disease tumour suppressor gene and correlation with disease phenotype. Hum Mol Genet. 1994;3(8):1303-1308. Fishbein L et al. Inherited mutations in pheochromocytoma and paraganglioma: why all patients should be offered genetic testing. Ann Surg Oncol. 2013;20(5):1444-1450. Leonardi E et al. Identification and in silico analysis of novel von Hippel-Lindau (VHL) gene variants from a large population. Ann Hum Genet. 2011;75(4):483-496. Ohh M et al. Synthetic peptides define critical contacts between elongin C, elongin B, and the von Hippel-Lindau protein. J Clin Invest. 1999;104(11):1583-1591. Peng S et al. Genotype-phenotype correlations in Chinese von Hippel-Lindau disease patients. Oncotarget. 2017;8(24):38456-38465. Schoenfeld AR et al. Elongin BC complex prevents degradation of von Hippel-Lindau tumor suppressor gene products. Proc Natl Acad Sci U S A. 2000;97(15):8507-8512. Wang Y et al. Pedigree analysis, diagnosis and treatment in Von Hippel-Lindau syndrome: A report of three cases. Oncol Lett. 2018;15(4):4882-4890. Zhang J et al. Clinical and genetic investigation of a multi-generational Chinese family afflicted with Von Hippel-Lindau disease. Chin Med J (Engl). 2015;128(1):32-38.

Johns Hopkins Genomics, Johns Hopkins University
Classification: Pathogenic for Von Hippel-Lindau syndrome. Last evaluated: 2020-05-01. Review status: criteria provided, single submitter. Criteria: ACMG Guidelines, 2015. Collection method: clinical testing. Allele origin: germline.

PreventionGenetics, part of Exact Sciences
Classification: Pathogenic. Last evaluated: 2018-03-12. Review status: criteria provided, single submitter. Criteria: ACMG Guidelines, 2015. Collection method: clinical testing. Allele origin: germline.

Women's Health and Genetics/Laboratory Corporation of America, LabCorp
Classification: Pathogenic for Von Hippel-Lindau syndrome. Last evaluated: 2017-04-20. Review status: criteria provided, single submitter. Criteria: LabCorp Variant Classification Summary - May 2015. Collection method: clinical testing. Allele origin: germline.
Comment: Variant summary: The VHL c.499C>T (p.Arg167Trp) variant located in the alpha domain (via InterPro) involves the alteration of a conserved nucleotide and 5/5 in silico tools predict a damaging outcome. This variant was found in 1/121114 control chromosomes at a frequency of 0.0000083, which does not exceed the estimated maximal expected allele frequency of a pathogenic VHL variant (0.0000208). Multiple publications have cited the variant in affected individuals ranging in phenotypes from VHL, renal carcinoma, hemangioblastoma and pheochromocytoma. Functional study, Schoenfield_2000, indicates the variant disrupts the elongin binding capability to VHL, a function that is essential for the tumor suppressor function of VHL. In addition, multiple clinical diagnostic laboratories/reputable databases classified this variant as pathogenic. Taken together, this variant is classified as pathogenic.

Genomic Diagnostic Laboratory, Division of Genomic Diagnostics, Children's Hospital of Philadelphia
Classification: Pathogenic for Von Hippel-Lindau syndrome. Last evaluated: 2016-02-26. Review status: no assertion criteria provided. Collection method: clinical testing. Allele origin: germline. Affected: yes. Observed: 74 variant alleles. Not counted in ClinVar's aggregate classification.

Donald Williams Parsons Laboratory, Baylor College of Medicine
Classification: Pathogenic for Von Hippel-Lindau syndrome. Last evaluated: 2015-06-02. Review status: no assertion criteria provided. Collection method: research. Allele origin: germline. Inheritance: Autosomal dominant inheritance. Affected: yes. Observed: 2 variant alleles, 1 heterozygote. Study: CSER-BASIC3. Not counted in ClinVar's aggregate classification.
Comment: This variant has been previously reported as disease-causing and was found twice in our study in patients with pheochromocytoma and family history of VHL.

OMIM
Classification: Pathogenic for VON HIPPEL-LINDAU SYNDROME. Last evaluated: 2002-05-09. Review status: no assertion criteria provided. Collection method: literature only. Allele origin: germline. Not counted in ClinVar's aggregate classification.

OMIM
Classification: Pathogenic for PHEOCHROMOCYTOMA. Last evaluated: 2002-05-09. Review status: no assertion criteria provided. Collection method: literature only. Allele origin: germline. Not counted in ClinVar's aggregate classification.

Literature cited by the submitters: PubMed 7987306 (cited by 4 submitters); PubMed 9829912 (cited by 3 submitters); PubMed 12000816 (cited by 5 submitters); PubMed 15300849 (cited by 4 submitters); PubMed 19464396 (cited by 4 submitters); PubMed 23512077 (cited by 6 submitters); PubMed 25563310 (cited by 5 submitters); PubMed 14973063 (cited by 4 submitters); PubMed 9829911 (cited by Labcorp Genetics (formerly Invitae), Labcorp and Johns Hopkins Genomics, Johns Hopkins University); PubMed 19574279 (cited by Labcorp Genetics (formerly Invitae), Labcorp); PubMed 21463266 (cited by 3 submitters); PubMed 22799452 (cited by 4 submitters); PubMed 10900011 (cited by 5 submitters); PubMed 20660572 (cited by Ambry Genetics and Department of Pathology and Laboratory Medicine, Sinai Health System); PubMed 27539324 (cited by 3 submitters); PubMed 28944243 (cited by Ambry Genetics and Department of Pathology and Laboratory Medicine, Sinai Health System); PubMed 29616089 (cited by 3 submitters); PubMed 30042107 (cited by Ambry Genetics and Department of Pathology and Laboratory Medicine, Sinai Health System); PubMed 7728151 (cited by Ambry Genetics); PubMed 8956040 (cited by Ambry Genetics and OMIM); PubMed 10205047 (cited by Mayo Clinic Laboratories, Mayo Clinic); PubMed 20233476 (cited by Mayo Clinic Laboratories, Mayo Clinic); PubMed 21519372 (cited by Mayo Clinic Laboratories, Mayo Clinic); PubMed 25119015 (cited by 4 submitters); PubMed 25390905 (cited by Mayo Clinic Laboratories, Mayo Clinic); PubMed 27527340 (cited by Mayo Clinic Laboratories, Mayo Clinic); PubMed 29124493 (cited by Mayo Clinic Laboratories, Mayo Clinic); PubMed 33720516 (cited by Mayo Clinic Laboratories, Mayo Clinic); PubMed 33745191 (cited by Mayo Clinic Laboratories, Mayo Clinic); PubMed 34654685 (cited by Mayo Clinic Laboratories, Mayo Clinic); PubMed 34926252 (cited by Mayo Clinic Laboratories, Mayo Clinic); PubMed 35524216 (cited by Mayo Clinic Laboratories, Mayo Clinic); PubMed 36715412 (cited by Mayo Clinic Laboratories, Mayo Clinic); PubMed 37529773 (cited by Mayo Clinic Laboratories, Mayo Clinic); PubMed 7604013 (cited by Mayo Clinic Laboratories, Mayo Clinic); PubMed 21784903 (cited by Institute for Genomic Medicine (IGM) Clinical Laboratory, Nationwide Children's Hospital); PubMed 25545346 (cited by Institute for Genomic Medicine (IGM) Clinical Laboratory, Nationwide Children's Hospital); PubMed 28162975 (cited by Institute for Genomic Medicine (IGM) Clinical Laboratory, Nationwide Children's Hospital); PubMed 29413423 (cited by Institute for Genomic Medicine (IGM) Clinical Laboratory, Nationwide Children's Hospital); PubMed 33362715 (cited by Institute for Genomic Medicine (IGM) Clinical Laboratory, Nationwide Children's Hospital); PubMed 36854674 (cited by Institute for Genomic Medicine (IGM) Clinical Laboratory, Nationwide Children's Hospital); PubMed 12673678 (cited by Institute for Genomic Medicine (IGM) Clinical Laboratory, Nationwide Children's Hospital); PubMed 17102069 (cited by Department of Pathology and Laboratory Medicine, Sinai Health System and Women's Health and Genetics/Laboratory Corporation of America, LabCorp); PubMed 9156047 (cited by Women's Health and Genetics/Laboratory Corporation of America, LabCorp and OMIM); PubMed 14722919 (cited by Women's Health and Genetics/Laboratory Corporation of America, LabCorp); PubMed 19602254 (cited by Women's Health and Genetics/Laboratory Corporation of America, LabCorp and Donald Williams Parsons Laboratory, Baylor College of Medicine); PubMed 8592333 (cited by Women's Health and Genetics/Laboratory Corporation of America, LabCorp and OMIM); PubMed 18836774 (cited by Donald Williams Parsons Laboratory, Baylor College of Medicine); PubMed 26822237 (cited by Donald Williams Parsons Laboratory, Baylor College of Medicine); PubMed 7784063 (cited by OMIM); PubMed 8270255 (cited by OMIM).